The following is an entry in ClinVar:

NM_000484.4(APP):c.1225-45G>T

Gene: APP (amyloid beta precursor protein; minus strand). Cytogenetic location: 21q21.3.
Variant type: single nucleotide variant.
Coding change: c.1225-45G>T on transcript NM_000484.4 (MANE Select); 45 bases into the intron before coding-DNA position 1225, G replaced by T.
Molecular consequence: intron variant.
Genome position (GRCh38, 1-based): chr21:25,976,073, C>A on the plus strand (G>T on the coding strand, the complement: APP is on the minus strand). VCF-style: chr21-25976073-C-A. GRCh37 (hg19) VCF-style: chr21-27348386-C-A.
Other names: c.895-45G>T (NM_001136131.3); c.832-45G>T (NM_001136129.3); c.1057-45G>T (NM_001136130.3, NM_001385253.1); c.1000-45G>T (NM_001204303.2, NM_201414.3); c.1168-45G>T (NM_001204302.2, NM_201413.3); c.1225-45G>T (NM_001204301.2); c.1153-45G>T (NM_001136016.3).
Identifiers: ClinVar variation 1707144 (VCV001707144.2), dbSNP rs116447989, ClinGen allele CA9987379.
Genomic context (GRCh38, chr21:25,976,073, plus strand): 5'-CCCATTCTCTCATGACCTATAAATTAAGGAAACATTTGAATTTAAAATCATCAGTTCATC[C>A]TTTGAATACAGACTTAATAGGATGGATGATTATGTTTTTCCTCTATTTTTGTCATTTTAG-3'

ClinVar aggregate classification (germline): Likely benign (1 of 4 stars; one submission).

Allele frequency attached by ClinVar (database versions not stated): gnomAD exomes 0.00123; ExAC 0.00385; gnomAD 0.01073; 1000 Genomes Project 0.01118; TOPMed 0.01203; ESP Exome Variant Server 0.01223; 1000 Genomes Project 30x 0.01234.
gnomAD v4.1: 3,345 of 1,463,220 alleles (0.23%); highest among the groups gnomAD compares: African/African-American, 3.6%; 42 homozygotes.

Submission:

GeneDx
Classification: Likely benign. Last evaluated: 2020-03-14. Review status: criteria provided, single submitter. Criteria: GeneDx Variant Classification Process June 2021. Collection method: clinical testing. Allele origin: germline. Affected: yes.
Comment: See Variant Classification Assertion Criteria.